The following is an entry in ClinVar:

ClinVar aggregate classification (germline): Uncertain significance. Review status: criteria provided, multiple submitters, no conflicts (2 of 4 stars). 2 submissions from 2 submitters: Uncertain significance (2). Last evaluated 2025-12-10.

Conditions:
Charcot-Marie-Tooth disease type 4. Also called: Charcot-Marie-Tooth, Type 4; Charcot-Marie-Tooth disease, type IV. Identifiers: Orphanet 64749, MedGen C4082197, MONDO:0018995.
Inborn genetic diseases. Identifiers: MedGen C0950123, MeSH D030342.

Allele frequency attached by ClinVar (database versions not stated): ExAC 0.00001; TOPMed 0.00001; gnomAD 0.00002; gnomAD exomes 0.00002; ESP Exome Variant Server 0.00008.
gnomAD v4.1: 27 of 1,611,432 alleles (0.0017%); highest among the groups gnomAD compares: Non-Finnish European, 0.0023%; no homozygotes.

Submissions (2):

Labcorp Genetics (formerly Invitae), Labcorp
Classification: Uncertain significance for Charcot-Marie-Tooth disease type 4. Last evaluated: 2025-12-10. Review status: criteria provided, single submitter. Criteria: Invitae Variant Classification Sherloc (09022015). Collection method: clinical testing. Allele origin: germline.
Comment: This sequence change replaces isoleucine, which is neutral and non-polar, with methionine, which is neutral and non-polar, at codon 107 of the FIG4 protein (p.Ile107Met). This variant is present in population databases (rs372854425, gnomAD 0.0009%). This variant has not been reported in the literature in individuals affected with FIG4-related conditions. ClinVar contains an entry for this variant (Variation ID: 838137). An algorithm developed to predict the effect of missense changes on protein structure and function (PolyPhen-2) suggests that this variant is likely to be disruptive. In summary, the available evidence is currently insufficient to determine the role of this variant in disease. Therefore, it has been classified as a Variant of Uncertain Significance.

Ambry Genetics
Classification: Uncertain significance for Inborn genetic diseases. Last evaluated: 2022-09-02. Review status: criteria provided, single submitter. Criteria: Ambry Variant Classification Scheme 2023. Collection method: clinical testing. Allele origin: germline.
Comment: The p.I107M variant (also known as c.321T>G), located in coding exon 4 of the FIG4 gene, results from a T to G substitution at nucleotide position 321. The isoleucine at codon 107 is replaced by methionine, an amino acid with highly similar properties. This amino acid position is conserved. In addition, this alteration is predicted to be tolerated by in silico analysis. Since supporting evidence is limited at this time, the clinical significance of this alteration remains unclear.

NM_014845.6(FIG4):c.321T>G (p.Ile107Met)

Gene: FIG4 (FIG4 phosphoinositide 5-phosphatase; plus strand). Cytogenetic location: 6q21.
Variant type: single nucleotide variant.
Coding change: c.321T>G on transcript NM_014845.6 (MANE Select); coding-DNA position 321, T replaced by G.
Protein change: p.Ile107Met; replaces isoleucine 107 with methionine.
Molecular consequence: missense variant.
Genome position (GRCh38, 1-based): chr6:109,727,140, T>G. VCF-style: chr6-109727140-T-G. GRCh37 (hg19) VCF-style: chr6-110048343-T-G.
Other names: short protein forms I107M.
Identifiers: ClinVar variation 838137 (VCV000838137.9), dbSNP rs372854425, ClinGen allele CA3955745.